The following is an entry in ClinVar:

NM_001130438.3(SPTAN1):c.6959+5C>G

Gene: SPTAN1 (spectrin alpha, non-erythrocytic 1; plus strand). Cytogenetic location: 9q34.11.
Variant type: single nucleotide variant.
Coding change: c.6959+5C>G on transcript NM_001130438.3 (MANE Select); 5 bases into the intron after coding-DNA position 6959, C replaced by G.
Molecular consequence: intron variant.
Genome position (GRCh38, 1-based): chr9:128,632,328, C>G. VCF-style: chr9-128632328-C-G. GRCh37 (hg19) VCF-style: chr9-131394607-C-G.
Other names: c.7022+5C>G (NM_001363759.2); c.6944+5C>G (NM_003127.4); c.6899+5C>G (NM_001363765.2); c.6884+5C>G (NM_001195532.2).
Identifiers: ClinVar variation 388912 (VCV000388912.5), dbSNP rs1057523269, ClinGen allele CA16605370.
Genomic context (GRCh38, chr9:128,632,328, plus strand): 5'-CTGGACCAGCTGGGCATGCGCATGCAGCACAACCTGGAGCAGCAGATCCAGGCCAGGTAC[C>G]CGGGAGGGCTGTGGGCCAGGCTCAGCCCAGAGCAGGGGGAGGAAAAGACACAGTCACCTG-3'

ClinVar aggregate classification (germline): Conflicting classifications of pathogenicity. Review status: criteria provided, conflicting classifications (1 of 4 stars). 2 submissions from 2 submitters: Uncertain significance (1); Likely benign (1). Last evaluated 2024-10-31.

Conditions:
Early-infantile DEE. Also called: Ohtahara syndrome; Early infantile epileptic encephalopathy; Early infantile epileptic encephalopathy with suppression bursts. Identifiers: Orphanet 1934, MedGen C0393706, MONDO:0800491.

Allele frequency attached by ClinVar (database versions not stated): TOPMed below 0.00001; gnomAD 0.00001.
gnomAD v4.1: 6 of 1,613,424 alleles (0.00037%); highest among the groups gnomAD compares: Non-Finnish European, 0.00051%; no homozygotes.

Submissions (2):

Labcorp Genetics (formerly Invitae), Labcorp
Classification: Uncertain significance for Early-infantile DEE. Last evaluated: 2024-10-31. Review status: criteria provided, single submitter. Criteria: Invitae Variant Classification Sherloc (09022015). Collection method: clinical testing. Allele origin: germline.
Comment: This sequence change falls in intron 53 of the SPTAN1 gene. It does not directly change the encoded amino acid sequence of the SPTAN1 protein. It affects a nucleotide within the consensus splice site. This variant is present in population databases (no rsID available, gnomAD 0.007%). This variant has not been reported in the literature in individuals affected with SPTAN1-related conditions. ClinVar contains an entry for this variant (Variation ID: 388912). Variants that disrupt the consensus splice site are a relatively common cause of aberrant splicing (PMID: 17576681, 9536098). Algorithms developed to predict the effect of sequence changes on RNA splicing suggest that this variant is not likely to affect RNA splicing. In summary, the available evidence is currently insufficient to determine the role of this variant in disease. Therefore, it has been classified as a Variant of Uncertain Significance.

GeneDx
Classification: Likely benign. Last evaluated: 2016-08-29. Review status: criteria provided, single submitter. Criteria: GeneDx Variant Classification (06012015). Collection method: clinical testing. Allele origin: germline. Affected: yes.
Comment: This variant is considered likely benign or benign based on one or more of the following criteria: it is a conservative change, it occurs at a poorly conserved position in the protein, it is predicted to be benign by multiple in silico algorithms, and/or has population frequency not consistent with disease.

Literature cited by the submitters: PubMed 17576681 (cited by Labcorp Genetics (formerly Invitae), Labcorp); PubMed 9536098 (cited by Labcorp Genetics (formerly Invitae), Labcorp).